The following is an entry in ClinVar:

NM_001105206.3(LAMA4):c.1538A>T (p.Gln513Leu)

Gene: LAMA4 (laminin subunit alpha 4; minus strand). Cytogenetic location: 6q21.
Variant type: single nucleotide variant.
Coding change: c.1538A>T on transcript NM_001105206.3 (MANE Select); coding-DNA position 1538, A replaced by T.
Protein change: p.Gln513Leu; replaces glutamine 513 with leucine.
Molecular consequence: missense variant.
Genome position (GRCh38, 1-based): chr6:112,172,624, T>A on the plus strand (A>T on the coding strand, the complement: LAMA4 is on the minus strand). VCF-style: chr6-112172624-T-A. GRCh37 (hg19) VCF-style: chr6-112493826-T-A.
Other names: c.1517A>T, p.Gln506Leu (NM_001105207.3, NM_002290.5); short protein forms Q506L, Q513L.
Identifiers: ClinVar variation 3900605 (VCV003900605.1).
Genomic context (GRCh38, chr6:112,172,624, plus strand): 5'-TCACACTGCTGATGCTGAAATGCATTGATGGTGAGTGTCCGCTGTACCTCATGGTCCCGC[T>A]GCCTGGCTGCTGTGGCCCTGTTCATGTCTTCGGCATCCCTGACATAGTTAAGGGCCTGGT-3'
Protein context (NP_001098676.2, residues 503-523): EDMNRATAAR[Gln513Leu]RDHEKQQERV

ClinVar aggregate classification (germline): Uncertain significance (1 of 4 stars; one submission).

Conditions:
Dilated cardiomyopathy 1JJ (CMD1JJ). Identifiers: Orphanet 154, MedGen C3808935, MONDO:0014095, OMIM 615235.

gnomAD v4.1: 1 of 1,612,952 alleles (0.000062%); highest among the groups gnomAD compares: South Asian, 0.0011%; no homozygotes.

Submission:

Clinical Genomics Laboratory, Stanford Medicine
Classification: Uncertain significance for Dilated cardiomyopathy 1JJ. Last evaluated: 2022-04-11. Review status: criteria provided, single submitter. Criteria: ACMG Guidelines, 2015. Collection method: clinical testing. Allele origin: germline. Observed: 1 variant allele, 1 heterozygote.
Comment: The p.Gln513Leu variant in the LAMA4 gene has not been previously reported in association with disease. This variant has been identified in 1/30,616 South Asian chromosomes (1/251,270 chromosomes overall) by the Genome Aggregation Database. Although this variant has been seen in the general population, its frequency is low enough to be consistent with the prevalence of cardiomyopathy. The glutamine at position 513 is conserved in mammals, however, leucine is seen at this position in several vertebrate species. Computational tools predict that the p.Gln513Leu variant does not impact protein function; however, the accuracy of in silico algorithms is limited. These data were assessed using the ACMG/AMP variant interpretation guidelines. In summary, the significance of the p.Gln513Leu variant is uncertain. Additional information is needed to resolve the significance of this variant. [ACMG evidence codes used: PM2; BP4]